The following is an entry in ClinVar:

NM_017662.5(TRPM6):c.545-1G>C

Gene: TRPM6 (transient receptor potential cation channel subfamily M member 6; minus strand). Cytogenetic location: 9q21.13.
Variant type: single nucleotide variant.
Coding change: c.545-1G>C on transcript NM_017662.5 (MANE Select); the canonical splice acceptor site of the intron before coding-DNA position 545, G replaced by C.
Molecular consequence: splice acceptor variant.
Genome position (GRCh38, 1-based): chr9:74,834,123, C>G on the plus strand (G>C on the coding strand, the complement: TRPM6 is on the minus strand). VCF-style: chr9-74834123-C-G. GRCh37 (hg19) VCF-style: chr9-77449039-C-G.
Other names: c.530-1G>C (NM_001177310.2, NM_001177311.2).
Identifiers: ClinVar variation 5007465 (VCV005007465.2).

ClinVar aggregate classification (germline): Likely pathogenic (1 of 4 stars; one submission).

Conditions:
Intestinal hypomagnesemia 1. Also called: HYPOMAGNESEMIA, INTESTINAL, WITH SECONDARY HYPOCALCEMIA; HYPOMAGNESEMIC TETANY. Identifiers: Orphanet 30924, MedGen C1865974, MONDO:0011176, OMIM 602014.

Submission:

Juno Genomics, Hangzhou Juno Genomics, Inc
Classification: Likely pathogenic for Intestinal hypomagnesemia 1. Review status: criteria provided, single submitter. Criteria: ACMG Guidelines, 2015. Collection method: clinical testing. Allele origin: germline.
Comment: Null variant in a gene where loss of function (LOF) is a known mechanism of disease.;Absent from controls (or at extremely low frequency if recessive) in Genome Aggregation Database.